The following is an entry in ClinVar:

ClinVar aggregate classification (germline): Uncertain significance. Review status: criteria provided, multiple submitters, no conflicts (2 of 4 stars). 2 submissions from 2 submitters: Uncertain significance (2). Last evaluated 2025-09-21.

Conditions:
Hereditary cancer-predisposing syndrome. Also called: Hereditary Cancer Syndrome; Hereditary neoplastic syndrome; Neoplastic Syndromes, Hereditary; Tumor predisposition. Identifiers: Orphanet 140162, MedGen C0027672, MeSH D009386, MONDO:0015356.

Allele frequency attached by ClinVar (database versions not stated): gnomAD exomes below 0.00001; TOPMed below 0.00001; gnomAD 0.00001.
gnomAD v4.1: 5 of 1,613,624 alleles (0.00031%); highest among the groups gnomAD compares: East Asian, 0.0045%; no homozygotes.

Submissions (2):

Ambry Genetics
Classification: Uncertain significance for Hereditary cancer-predisposing syndrome. Last evaluated: 2025-09-21. Review status: criteria provided, single submitter. Criteria: Ambry Variant Classification Scheme 2023. Collection method: clinical testing. Allele origin: germline.
Comment: The p.G210R variant (also known as c.628G>A), located in coding exon 5 of the FH gene, results from a G to A substitution at nucleotide position 628. The glycine at codon 210 is replaced by arginine, an amino acid with dissimilar properties. This amino acid position is conserved. In addition, this alteration is predicted to be deleterious by in silico analysis. Based on the available evidence, the clinical significance of this variant remains unclear.

Labcorp Genetics (formerly Invitae), Labcorp
Classification: Uncertain significance. Last evaluated: 2025-06-08. Review status: criteria provided, single submitter. Criteria: Invitae Variant Classification Sherloc (09022015). Collection method: clinical testing. Allele origin: germline.
Comment: This sequence change replaces glycine, which is neutral and non-polar, with arginine, which is basic and polar, at codon 210 of the FH protein (p.Gly210Arg). This variant is present in population databases (no rsID available, gnomAD 0.01%). This variant has not been reported in the literature in individuals affected with FH-related conditions. ClinVar contains an entry for this variant (Variation ID: 405917). Invitae Evidence Modeling of protein sequence and biophysical properties (such as structural, functional, and spatial information, amino acid conservation, physicochemical variation, residue mobility, and thermodynamic stability) has been performed for this missense variant. However, the output from this modeling did not meet the statistical confidence thresholds required to predict the impact of this variant on FH protein function. In summary, the available evidence is currently insufficient to determine the role of this variant in disease. Therefore, it has been classified as a Variant of Uncertain Significance.

NM_000143.4(FH):c.628G>A (p.Gly210Arg)

Gene: FH (fumarate hydratase; minus strand). Cytogenetic location: 1q43.
Variant type: single nucleotide variant.
Coding change: c.628G>A on transcript NM_000143.4 (MANE Select); coding-DNA position 628, G replaced by A.
Protein change: p.Gly210Arg; replaces glycine 210 with arginine.
Molecular consequence: missense variant.
Genome position (GRCh38, 1-based): chr1:241,508,713, C>T on the plus strand (G>A on the coding strand, the complement: FH is on the minus strand). VCF-style: chr1-241508713-C-T. GRCh37 (hg19) VCF-style: chr1-241672013-C-T.
Other names: short protein forms G210R.
Identifiers: ClinVar variation 405917 (VCV000405917.9), dbSNP rs949267641, ClinGen allele CA16610109.